The following is an entry in ClinVar:

ClinVar aggregate classification (germline): Likely benign. Review status: criteria provided, multiple submitters, no conflicts (2 of 4 stars). 3 submissions from 3 submitters: Likely benign (3). Last evaluated 2025-09-05.

Conditions:
WNK1-related disorder. Also called: WNK1-related condition.
Neuropathy, hereditary sensory and autonomic, type 2A (HSAN2A). Also called: MORVAN DISEASE; WNK1-Related HSAN2 (HSAN2A); ACROOSTEOLYSIS, GIACCAI TYPE; ACROOSTEOLYSIS, NEUROGENIC; HSAN IIA; NEUROPATHY, CONGENITAL SENSORY. Identifiers: Orphanet 970, MedGen C2752089, MONDO:0024309, OMIM 201300.
Pseudohypoaldosteronism type 2C (PHA2C). Also called: Pseudohypoaldosteronism Type IIC. Identifiers: Orphanet 757, Orphanet 88940, MedGen C1840391, MONDO:0013778, OMIM 614492.

Allele frequency attached by ClinVar (database versions not stated): gnomAD exomes 0.00002 and 0.00004; ExAC 0.00006; gnomAD 0.00011 and 0.00013; TOPMed 0.00025.
gnomAD v4.1: 39 of 1,614,042 alleles (0.0024%); highest among the groups gnomAD compares: African/African-American, 0.049%; no homozygotes.

Submissions (3):

PreventionGenetics, part of Exact Sciences
Classification: Likely benign for WNK1-related condition. Last evaluated: 2025-09-05. Review status: criteria provided, single submitter. Criteria: ACMG Guidelines, 2015. Collection method: clinical testing. Allele origin: germline.
Comment: This variant is classified as likely benign based on ACMG/AMP sequence variant interpretation guidelines (Richards et al. 2015 PMID: 25741868, with internal and published modifications).

Labcorp Genetics (formerly Invitae), Labcorp
Classification: Likely benign for Neuropathy, hereditary sensory and autonomic, type 2A; Pseudohypoaldosteronism type 2C. Last evaluated: 2024-04-05. Review status: criteria provided, single submitter. Criteria: Invitae Variant Classification Sherloc (09022015). Collection method: clinical testing. Allele origin: germline.

Breakthrough Genomics
Classification: Likely benign. Review status: criteria provided, single submitter. Criteria: ACMG Guidelines, 2015. Collection method: not provided. Allele origin: germline. Inheritance: Autosomal recessive inheritance. Affected: yes.

NM_018979.4(WNK1):c.3168C>G (p.Thr1056=)

Gene: WNK1 (WNK lysine deficient protein kinase 1; plus strand). Cytogenetic location: 12p13.33.
Variant type: single nucleotide variant.
Coding change: c.3168C>G on transcript NM_018979.4 (MANE Select); coding-DNA position 3168, C replaced by G.
Protein change: p.Thr1056=; no amino-acid change (threonine 1056 retained).
Molecular consequence: synonymous variant.
Genome position (GRCh38, 1-based): chr12:881,748, C>G. VCF-style: chr12-881748-C-G. GRCh37 (hg19) VCF-style: chr12-990914-C-G.
Other names: c.3948C>G, p.Thr1316= (NM_001184985.2); c.2427C>G, p.Thr809= (NM_014823.3); c.3924C>G, p.Thr1308= (NM_213655.5); c.3168C>G (NM_018979.3).
Identifiers: ClinVar variation 1092042 (VCV001092042.11), dbSNP rs761615496, ClinGen allele CA6382678.